The following is an entry in ClinVar:

NM_004657.6(CAVIN2):c.171G>T (p.Thr57=)

Genes: CAVIN2-AS1 (CAVIN2 and TMEFF2 antisense RNA 1; plus strand), CAVIN2 (caveolae associated protein 2; minus strand). Cytogenetic location: 2q32.3.
Variant type: single nucleotide variant.
Coding change: c.171G>T on transcript NM_004657.6 (MANE Select); coding-DNA position 171, G replaced by T.
Protein change: p.Thr57=; no amino-acid change (threonine 57 retained).
Molecular consequence: synonymous variant. On other transcripts: non-coding transcript variant (1).
Genome position (GRCh38, 1-based): chr2:191,846,755, C>A on the plus strand (G>T on the coding strand, the complement: CAVIN2 is on the minus strand). VCF-style: chr2-191846755-C-A. GRCh37 (hg19) VCF-style: chr2-192711481-C-A.
Identifiers: ClinVar variation 2651772 (VCV002651772.24), dbSNP rs146270652, ClinGen allele CA2032604.

ClinVar aggregate classification (germline): Likely benign (1 of 4 stars; one submission).

Allele frequency attached by ClinVar (database versions not stated): 1000 Genomes Project 0.00040; 1000 Genomes Project 30x 0.00047; ExAC 0.00055; ESP Exome Variant Server 0.00100.
gnomAD v4.1: 860 of 1,614,192 alleles (0.053%); highest among the groups gnomAD compares: African/African-American, 0.15%; no homozygotes.

Submission:

CeGaT Center for Human Genetics Tuebingen
Classification: Likely benign. Last evaluated: 2022-09-01. Review status: criteria provided, single submitter. Criteria: CeGaT Center For Human Genetics Tuebingen Variant Classification Criteria Version 2. Collection method: clinical testing. Allele origin: germline. Affected: yes. Observed: 1 variant allele.
Comment: CAVIN2: BP4, BP7